The following is an entry in ClinVar:

ClinVar aggregate classification (germline): Uncertain significance (1 of 4 stars; one submission).

Conditions:
Pseudohypoaldosteronism type 2C (PHA2C). Also called: Pseudohypoaldosteronism Type IIC. Identifiers: Orphanet 757, Orphanet 88940, MedGen C1840391, MONDO:0013778, OMIM 614492.
Neuropathy, hereditary sensory and autonomic, type 2A (HSAN2A). Also called: ACROOSTEOLYSIS, GIACCAI TYPE; ACROOSTEOLYSIS, NEUROGENIC; HSAN IIA; WNK1-Related HSAN2 (HSAN2A); MORVAN DISEASE; NEUROPATHY, CONGENITAL SENSORY. Identifiers: Orphanet 970, MedGen C2752089, MONDO:0024309, OMIM 201300.

Allele frequency attached by ClinVar (database versions not stated): gnomAD exomes below 0.00001.
gnomAD v4.1: 3 of 1,614,170 alleles (0.00019%); highest among the groups gnomAD compares: Non-Finnish European, 0.00025%; no homozygotes.

Submission:

Labcorp Genetics (formerly Invitae), Labcorp
Classification: Uncertain significance for Neuropathy, hereditary sensory and autonomic, type 2A; Pseudohypoaldosteronism type 2C. Last evaluated: 2018-11-30. Review status: criteria provided, single submitter. Criteria: Invitae Variant Classification Sherloc (09022015). Collection method: clinical testing. Allele origin: germline.
Comment: In summary, the available evidence is currently insufficient to determine the role of this variant in disease. Therefore, it has been classified as a Variant of Uncertain Significance. Algorithms developed to predict the effect of missense changes on protein structure and function are either unavailable or do not agree on the potential impact of this missense change (SIFT: "Deleterious"; PolyPhen-2: "Not Available"; Align-GVGD: "Class C0"). This variant has not been reported in the literature in individuals with WNK1-related conditions. This variant is not present in population databases (ExAC no frequency). This sequence change replaces phenylalanine with serine at codon 2585 of the WNK1 protein (p.Phe2585Ser). The phenylalanine residue is highly conserved and there is a large physicochemical difference between phenylalanine and serine.

NM_018979.4(WNK1):c.6998T>C (p.Phe2333Ser)

Gene: WNK1 (WNK lysine deficient protein kinase 1; plus strand). Cytogenetic location: 12p13.33.
Variant type: single nucleotide variant.
Coding change: c.6998T>C on transcript NM_018979.4 (MANE Select); coding-DNA position 6998, T replaced by C.
Protein change: p.Phe2333Ser; replaces phenylalanine 2333 with serine.
Molecular consequence: missense variant.
Genome position (GRCh38, 1-based): chr12:908,641, T>C. VCF-style: chr12-908641-T-C. GRCh37 (hg19) VCF-style: chr12-1017807-T-C.
Other names: c.7778T>C, p.Phe2593Ser (NM_001184985.2); c.6254T>C, p.Phe2085Ser (NM_014823.3); c.7754T>C, p.Phe2585Ser (NM_213655.5); short protein forms F2333S, F2085S, F2585S, F2593S.
Identifiers: ClinVar variation 654192 (VCV000654192.8), dbSNP rs1440345094, ClinGen allele CA383341095.